The following is an entry in ClinVar:

ClinVar aggregate classification (germline): Uncertain significance (1 of 4 stars; one submission).

Conditions:
Cardiovascular phenotype. Identifiers: MedGen CN230736.

Allele frequency attached by ClinVar (database versions not stated): gnomAD exomes below 0.00001; TOPMed 0.00001.
gnomAD v4.1: 6 of 1,613,998 alleles (0.00037%); highest among the groups gnomAD compares: East Asian, 0.011%; no homozygotes.

Submission:

Ambry Genetics
Classification: Uncertain significance for Cardiovascular phenotype. Last evaluated: 2024-03-13. Review status: criteria provided, single submitter. Criteria: Ambry Variant Classification Scheme 2023. Collection method: clinical testing. Allele origin: germline.
Comment: The p.D3612A variant (also known as c.10835A>C), located in coding exon 26 of the APOB gene, results from an A to C substitution at nucleotide position 10835. The aspartic acid at codon 3612 is replaced by alanine, an amino acid with dissimilar properties. This amino acid position is conserved. In addition, this alteration is predicted to be tolerated by in silico analysis. Based on the available evidence, the clinical significance of this alteration remains unclear.

NM_000384.3(APOB):c.10835A>C (p.Asp3612Ala)

Gene: APOB (apolipoprotein B; minus strand). Cytogenetic location: 2p24.1.
Variant type: single nucleotide variant.
Coding change: c.10835A>C on transcript NM_000384.3 (MANE Select); coding-DNA position 10835, A replaced by C.
Protein change: p.Asp3612Ala; replaces aspartic acid 3612 with alanine.
Molecular consequence: missense variant.
Genome position (GRCh38, 1-based): chr2:21,006,033, T>G on the plus strand (A>C on the coding strand, the complement: APOB is on the minus strand). VCF-style: chr2-21006033-T-G. GRCh37 (hg19) VCF-style: chr2-21228905-T-G.
Other names: short protein forms D3612A.
Identifiers: ClinVar variation 3231359 (VCV003231359.1), dbSNP rs1306018500, ClinGen allele CA345984878.
Genomic context (GRCh38, chr2:21,006,033, plus strand): 5'-CTGATCTTCTGGTTCTTAGTGTTAGCATTCAGGGCCACTTCCTGGCCAAGGTCAGGGAAA[T>G]CATGGAAGGAACTGGGCTGACTTGCATGGACCTGAACAAGAGCTGACATTTGCCATGGAG-3'
Protein context (NP_000375.3, residues 3602-3622): VHASQPSSFH[Asp3612Ala]FPDLGQEVAL